The following is an entry in ClinVar:

ClinVar aggregate classification (germline): Likely benign (0 of 4 stars; one submission).

Conditions:
KSR2-related disorder. Also called: KSR2-related condition.

Allele frequency attached by ClinVar (database versions not stated): gnomAD exomes below 0.00001; TOPMed below 0.00001.
gnomAD v4.1: 2 of 1,611,496 alleles (0.00012%); highest among the groups gnomAD compares: Non-Finnish European, 0.00017%; no homozygotes.

Submission:

PreventionGenetics, part of Exact Sciences
Classification: Likely benign for KSR2-related condition. Last evaluated: 2022-12-12. Review status: no assertion criteria provided. Collection method: clinical testing. Allele origin: germline.
Comment: This variant is classified as likely benign based on ACMG/AMP sequence variant interpretation guidelines (Richards et al. 2015 PMID: 25741868, with internal and published modifications).

NM_173598.6(KSR2):c.2487A>C (p.Leu829=)

Gene: KSR2 (kinase suppressor of ras 2; minus strand). Cytogenetic location: 12q24.22.
Variant type: single nucleotide variant.
Coding change: c.2487A>C on transcript NM_173598.6 (MANE Select); coding-DNA position 2487, A replaced by C.
Protein change: p.Leu829=; no amino-acid change (leucine 829 retained).
Molecular consequence: synonymous variant.
Genome position (GRCh38, 1-based): chr12:117,476,559, T>G on the plus strand (A>C on the coding strand, the complement: KSR2 is on the minus strand). VCF-style: chr12-117476559-T-G. GRCh37 (hg19) VCF-style: chr12-117914364-T-G.
Identifiers: ClinVar variation 3035141 (VCV003035141.2), dbSNP rs1871794253, ClinGen allele CA482037016.